The following is an entry in ClinVar:

ClinVar aggregate classification (germline): Uncertain significance (1 of 4 stars; one submission).

Conditions:
Familial hemophagocytic lymphohistiocytosis 5. Also called: STXBP2-Related Familial Hemophagocytic Lymphohistiocytosis (STXBP2-fHLH). Identifiers: Orphanet 540, MedGen C2751293, MONDO:0013135, OMIM 613101.

Allele frequency attached by ClinVar (database versions not stated): gnomAD exomes 0.00001.

Submission:

Labcorp Genetics (formerly Invitae), Labcorp
Classification: Uncertain significance for Familial hemophagocytic lymphohistiocytosis 5. Last evaluated: 2024-11-05. Review status: criteria provided, single submitter. Criteria: Invitae Variant Classification Sherloc (09022015). Collection method: clinical testing. Allele origin: germline.
Comment: This sequence change replaces threonine, which is neutral and polar, with isoleucine, which is neutral and non-polar, at codon 476 of the STXBP2 protein (p.Thr476Ile). This variant is not present in population databases (gnomAD no frequency). This variant has not been reported in the literature in individuals affected with STXBP2-related conditions. ClinVar contains an entry for this variant (Variation ID: 1421493). Invitae Evidence Modeling of protein sequence and biophysical properties (such as structural, functional, and spatial information, amino acid conservation, physicochemical variation, residue mobility, and thermodynamic stability) indicates that this missense variant is not expected to disrupt STXBP2 protein function with a negative predictive value of 95%. In summary, the available evidence is currently insufficient to determine the role of this variant in disease. Therefore, it has been classified as a Variant of Uncertain Significance.

NM_006949.4(STXBP2):c.1427C>T (p.Thr476Ile)

Gene: STXBP2 (syntaxin binding protein 2; plus strand). Cytogenetic location: 19p13.2.
Variant type: single nucleotide variant.
Coding change: c.1427C>T on transcript NM_006949.4 (MANE Select); coding-DNA position 1427, C replaced by T.
Protein change: p.Thr476Ile; replaces threonine 476 with isoleucine.
Molecular consequence: missense variant. On other transcripts: non-coding transcript variant (1).
Genome position (GRCh38, 1-based): chr19:7,646,319, C>T. VCF-style: chr19-7646319-C-T. GRCh37 (hg19) VCF-style: chr19-7711205-C-T.
Other names: c.1418C>T, p.Thr473Ile (NM_001127396.3); c.1460C>T, p.Thr487Ile (NM_001272034.2); short protein forms T473I, T487I, T476I.
Identifiers: ClinVar variation 1421493 (VCV001421493.7), dbSNP rs2032136227, ClinGen allele CA403161665.